The following is an entry in ClinVar:

ClinVar aggregate classification (germline): Likely benign. Review status: criteria provided, single submitter (1 of 4 stars). 2 submissions from 2 submitters: Likely benign (1). 1 of the submissions does not count toward it. Last evaluated 2018-06-11.

Conditions:
MAPT-related disorder. Also called: MAPT-related condition; MAPT-Related Disorders.

Allele frequency attached by ClinVar (database versions not stated): gnomAD exomes 0.00004; ExAC 0.00007; ESP Exome Variant Server 0.00015; 1000 Genomes Project 30x 0.00016; 1000 Genomes Project 0.00020; TOPMed 0.00022; gnomAD 0.00024 and 0.00027.
gnomAD v4.1: 71 of 1,607,844 alleles (0.0044%); highest among the groups gnomAD compares: African/African-American, 0.077%; no homozygotes.

Submissions (2):

Labcorp Genetics (formerly Invitae), Labcorp
Classification: Likely benign. Last evaluated: 2018-06-11. Review status: criteria provided, single submitter. Criteria: Invitae Variant Classification Sherloc (09022015). Collection method: clinical testing. Allele origin: germline.

PreventionGenetics, part of Exact Sciences
Classification: Likely benign for MAPT-related condition. Last evaluated: 2024-06-27. Review status: no assertion criteria provided. Collection method: clinical testing. Allele origin: germline. Not counted in ClinVar's aggregate classification.
Comment: This variant is classified as likely benign based on ACMG/AMP sequence variant interpretation guidelines (Richards et al. 2015 PMID: 25741868, with internal and published modifications).

NM_001377265.1(MAPT):c.777C>T (p.Ala259=)

Gene: MAPT (microtubule associated protein tau). Cytogenetic location: 17q21.31.
Variant type: single nucleotide variant.
Coding change: c.777C>T on transcript NM_001377265.1 (MANE Select); coding-DNA position 777, C replaced by T.
Protein change: p.Ala259=; no amino-acid change (alanine 259 retained).
Molecular consequence: synonymous variant. On other transcripts: intron variant (8).
Genome position (GRCh38, 1-based): chr17:45,983,356, C>T. VCF-style: chr17-45983356-C-T. GRCh37 (hg19) VCF-style: chr17-44060722-C-T.
Other names: c.552C>T, p.Ala184= (NM_001123066.4, NM_016835.5); c.777C>T, p.Ala259= (NM_001377266.1); c.200-3684C>T (NM_001377268.1, NM_016834.5, NM_016841.5); c.374-3684C>T (NM_005910.6, NM_001203252.2); c.287-3684C>T (NM_001123067.4, NM_001203251.2, NM_001377267.1); c.552C>T (NM_001123066.3).
Identifiers: ClinVar variation 772739 (VCV000772739.4), dbSNP rs370558032, ClinGen allele CA8617695.
Genomic context (GRCh38, chr17:45,983,356, plus strand): 5'-AGAGGCCACACGCCAACCTTCGGGGACAGGACCTGAGGACACAGAGGGCGGCCGCCACGC[C>T]CCTGAGCTGCTCAAGCACCAGCTTCTAGGAGACCTGCACCAGGAGGGGCCGCCGCTGAAG-3'
Protein context (NP_001364194.1, residues 249-269): GPEDTEGGRH[Ala259=]PELLKHQLLG